The following is an entry in ClinVar:

ClinVar aggregate classification (germline): Uncertain significance. Review status: criteria provided, multiple submitters, no conflicts (2 of 4 stars). 2 submissions from 2 submitters: Uncertain significance (2). Last evaluated 2024-06-23.

Conditions:
Purine-nucleoside phosphorylase deficiency. Also called: NUCLEOSIDE PHOSPHORYLASE DEFICIENCY; Immunodeficiency due to purine nucleoside phosphorylase deficiency. Identifiers: Orphanet 760, MedGen C0268125, MONDO:0013171, OMIM 613179.
Inborn genetic diseases. Identifiers: MedGen C0950123, MeSH D030342.

gnomAD v4.1: 41 of 1,614,100 alleles (0.0025%); highest among the groups gnomAD compares: Non-Finnish European, 0.0034%; no homozygotes.

Submissions (2):

Labcorp Genetics (formerly Invitae), Labcorp
Classification: Uncertain significance for Purine-nucleoside phosphorylase deficiency. Last evaluated: 2024-06-23. Review status: criteria provided, single submitter. Criteria: Invitae Variant Classification Sherloc (09022015). Collection method: clinical testing. Allele origin: germline.
Comment: This sequence change replaces glutamic acid, which is acidic and polar, with aspartic acid, which is acidic and polar, at codon 186 of the PNP protein (p.Glu186Asp). This variant is present in population databases (rs749155712, gnomAD 0.002%). This variant has not been reported in the literature in individuals affected with PNP-related conditions. Advanced modeling of protein sequence and biophysical properties (such as structural, functional, and spatial information, amino acid conservation, physicochemical variation, residue mobility, and thermodynamic stability) performed at Invitae indicates that this missense variant is not expected to disrupt PNP protein function with a negative predictive value of 80%. In summary, the available evidence is currently insufficient to determine the role of this variant in disease. Therefore, it has been classified as a Variant of Uncertain Significance.

Ambry Genetics
Classification: Uncertain significance for Inborn genetic diseases. Last evaluated: 2024-06-05. Review status: criteria provided, single submitter. Criteria: Ambry Variant Classification Scheme 2023. Collection method: clinical testing. Allele origin: germline.

NM_000270.4(PNP):c.558G>C (p.Glu186Asp)

Gene: PNP (purine nucleoside phosphorylase; plus strand). Cytogenetic location: 14q11.2.
Variant type: single nucleotide variant.
Coding change: c.558G>C on transcript NM_000270.4 (MANE Select); coding-DNA position 558, G replaced by C.
Protein change: p.Glu186Asp; replaces glutamic acid 186 with aspartic acid.
Molecular consequence: missense variant.
Genome position (GRCh38, 1-based): chr14:20,475,158, G>C. VCF-style: chr14-20475158-G-C. GRCh37 (hg19) VCF-style: chr14-20943317-G-C.
Other names: short protein forms E186D.
Identifiers: ClinVar variation 3308163 (VCV003308163.2).